The following is an entry in ClinVar:

NM_001394998.1(TANC2):c.3198A>G (p.Gln1066=)

Genes: TANC2 (tetratricopeptide repeat, ankyrin repeat and coiled-coil containing 2; plus strand), LOC105371856 (uncharacterized LOC105371856; minus strand). Cytogenetic location: 17q23.3.
Variant type: single nucleotide variant.
Coding change: c.3198A>G on transcript NM_001394998.1 (MANE Select); coding-DNA position 3198, A replaced by G.
Protein change: p.Gln1066=; no amino-acid change (glutamine 1066 retained).
Molecular consequence: synonymous variant.
Genome position (GRCh38, 1-based): chr17:63,395,889, A>G. VCF-style: chr17-63395889-A-G. GRCh37 (hg19) VCF-style: chr17-61473250-A-G.
Other names: c.2976A>G, p.Gln992= (NM_001411076.1, NM_025185.4).
Identifiers: ClinVar variation 3771172 (VCV003771172.13).

ClinVar aggregate classification (germline): Likely benign (1 of 4 stars; one submission).

Submission:

CeGaT Center for Human Genetics Tuebingen
Classification: Likely benign. Last evaluated: 2025-01-01. Review status: criteria provided, single submitter. Criteria: CeGaT Center For Human Genetics Tuebingen Variant Classification Criteria Version 2. Collection method: clinical testing. Allele origin: germline. Affected: yes. Observed: 1 variant allele.
Comment: TANC2: BP4, BP7